The following is an entry in ClinVar:

ClinVar aggregate classification (germline): Uncertain significance (1 of 4 stars; one submission).

Allele frequency attached by ClinVar (database versions not stated): gnomAD exomes below 0.00001; gnomAD 0.00001.
gnomAD v4.1: 3 of 1,613,872 alleles (0.00019%); highest among the groups gnomAD compares: Admixed American, 0.0017%; no homozygotes.

Submission:

Ambry Genetics
Classification: Uncertain significance. Last evaluated: 2024-09-01. Review status: criteria provided, single submitter. Criteria: Ambry Variant Classification Scheme 2023. Collection method: clinical testing. Allele origin: germline.
Comment: The p.T1506A variant (also known as c.4516A>G), located in coding exon 40 of the KIF1B gene, results from an A to G substitution at nucleotide position 4516. The threonine at codon 1506 is replaced by alanine, an amino acid with similar properties. This amino acid position is conserved. In addition, this alteration is predicted to be tolerated by in silico analysis. Since supporting evidence is limited at this time, the clinical significance of this alteration remains unclear.

NM_001365951.3(KIF1B):c.4654A>G (p.Thr1552Ala)

Gene: KIF1B (kinesin family member 1B; plus strand). Cytogenetic location: 1p36.22.
Variant type: single nucleotide variant.
Coding change: c.4654A>G on transcript NM_001365951.3 (MANE Select); coding-DNA position 4654, A replaced by G.
Protein change: p.Thr1552Ala; replaces threonine 1552 with alanine.
Molecular consequence: missense variant.
Genome position (GRCh38, 1-based): chr1:10,365,550, A>G. VCF-style: chr1-10365550-A-G. GRCh37 (hg19) VCF-style: chr1-10425608-A-G.
Other names: c.4654A>G, p.Thr1552Ala (NM_001365952.1); c.4516A>G, p.Thr1506Ala (NM_015074.3); short protein forms T1506A, T1552A.
Identifiers: ClinVar variation 1741163 (VCV001741163.3), dbSNP rs1638547209, ClinGen allele CA338322149.